The following is an entry in ClinVar:

ClinVar aggregate classification (germline): Uncertain significance. Review status: criteria provided, multiple submitters, no conflicts (2 of 4 stars). 3 submissions from 3 submitters: Uncertain significance (3). Last evaluated 2024-08-14.

Conditions:
Inborn genetic diseases. Identifiers: MedGen C0950123, MeSH D030342.
Seizures-scoliosis-macrocephaly syndrome. Also called: SEIZURES, SCOLIOSIS, AND MACROCEPHALY/MICROCEPHALY SYNDROME; Seizures, scoliosis, and macrocephaly syndrome. Identifiers: Orphanet 466926, MedGen C4225248, MONDO:0014731, OMIM 616682.
Exostoses, multiple, type 2 (EXT2). Also called: Hereditary Multiple Osteochondromatosis, Type II; EXOSTOSES, MULTIPLE, TYPE II. Identifiers: Orphanet 321, MedGen C1851413, MONDO:0007586, OMIM 133701.

Allele frequency attached by ClinVar (database versions not stated): TOPMed below 0.00001; gnomAD exomes 0.00001; ExAC 0.00002.
gnomAD v4.1: 6 of 1,614,026 alleles (0.00037%); highest among the groups gnomAD compares: East Asian, 0.013%; no homozygotes.

Submissions (3):

Labcorp Genetics (formerly Invitae), Labcorp
Classification: Uncertain significance for Exostoses, multiple, type 2. Last evaluated: 2024-08-14. Review status: criteria provided, single submitter. Criteria: Invitae Variant Classification Sherloc (09022015). Collection method: clinical testing. Allele origin: germline.
Comment: This sequence change replaces proline, which is neutral and non-polar, with leucine, which is neutral and non-polar, at codon 443 of the EXT2 protein (p.Pro443Leu). This variant is present in population databases (rs765073924, gnomAD 0.02%). This variant has not been reported in the literature in individuals affected with EXT2-related conditions. ClinVar contains an entry for this variant (Variation ID: 2166159). Invitae Evidence Modeling of protein sequence and biophysical properties (such as structural, functional, and spatial information, amino acid conservation, physicochemical variation, residue mobility, and thermodynamic stability) indicates that this missense variant is not expected to disrupt EXT2 protein function with a negative predictive value of 80%. In summary, the available evidence is currently insufficient to determine the role of this variant in disease. Therefore, it has been classified as a Variant of Uncertain Significance.

Fulgent Genetics
Classification: Uncertain significance for Exostoses, multiple, type 2; Seizures-scoliosis-macrocephaly syndrome. Last evaluated: 2024-06-18. Review status: criteria provided, single submitter. Criteria: ACMG Guidelines, 2015. Collection method: clinical testing. Allele origin: germline.

Ambry Genetics
Classification: Uncertain significance for Inborn genetic diseases. Last evaluated: 2024-03-15. Review status: criteria provided, single submitter. Criteria: Ambry Variant Classification Scheme 2023. Collection method: clinical testing. Allele origin: germline.

NM_207122.2(EXT2):c.1328C>T (p.Pro443Leu)

Genes: EXT2 (exostosin glycosyltransferase 2; plus strand), LOC126861201 (MED14-independent group 3 enhancer GRCh37_chr11:44218806-44220005; plus strand). Cytogenetic location: 11p11.2.
Variant type: single nucleotide variant.
Coding change: c.1328C>T on transcript NM_207122.2 (MANE Select); coding-DNA position 1328, C replaced by T.
Protein change: p.Pro443Leu; replaces proline 443 with leucine.
Molecular consequence: missense variant.
Genome position (GRCh38, 1-based): chr11:44,197,851, C>T. VCF-style: chr11-44197851-C-T. GRCh37 (hg19) VCF-style: chr11-44219401-C-T.
Other names: c.1427C>T, p.Pro476Leu (NM_000401.3); c.1358C>T, p.Pro453Leu (NM_001178083.3); c.1328C>T, p.Pro443Leu (NM_001389628.1, NM_001389630.1); short protein forms P443L, P453L, P476L.
Identifiers: ClinVar variation 2166159 (VCV002166159.6), dbSNP rs765073924, ClinGen allele CA5955239.